The following is an entry in ClinVar:

ClinVar aggregate classification (germline): Likely benign. Review status: criteria provided, single submitter (1 of 4 stars). 2 submissions from 2 submitters: Likely benign (1). 1 of the submissions does not count toward it. Last evaluated 2022-08-01.

Conditions:
ABCA2-related disorder. Also called: ABCA2-related condition.

Allele frequency attached by ClinVar (database versions not stated): gnomAD 0.00001; gnomAD exomes 0.00001.
gnomAD v4.1: 13 of 1,495,106 alleles (0.00087%); highest among the groups gnomAD compares: South Asian, 0.0082%; no homozygotes.

Submissions (2):

Blueprint Genetics
Classification: Likely benign. Last evaluated: 2022-08-01. Review status: criteria provided, single submitter. Criteria: ACMG Guidelines, 2015. Collection method: clinical testing. Allele origin: germline.

PreventionGenetics, part of Exact Sciences
Classification: Likely benign for ABCA2-related condition. Last evaluated: 2019-07-15. Review status: no assertion criteria provided. Collection method: clinical testing. Allele origin: germline. Not counted in ClinVar's aggregate classification.
Comment: This variant is classified as likely benign based on ACMG/AMP sequence variant interpretation guidelines (Richards et al. 2015 PMID: 25741868, with internal and published modifications).

NM_001606.5(ABCA2):c.276-7G>T

Gene: ABCA2 (ATP binding cassette subfamily A member 2; minus strand). Cytogenetic location: 9q34.3.
Variant type: single nucleotide variant.
Coding change: c.276-7G>T on transcript NM_001606.5 (MANE Select); 7 bases into the intron before coding-DNA position 276, G replaced by T.
Molecular consequence: intron variant.
Genome position (GRCh38, 1-based): chr9:137,022,872, C>A on the plus strand (G>T on the coding strand, the complement: ABCA2 is on the minus strand). VCF-style: chr9-137022872-C-A. GRCh37 (hg19) VCF-style: chr9-139917324-C-A.
Other names: c.366-7G>T (NM_212533.3); c.273-7G>T (NM_001411042.1).
Identifiers: ClinVar variation 3050564 (VCV003050564.3), dbSNP rs374386511, ClinGen allele CA201715740.